The following is an entry in ClinVar:

ClinVar aggregate classification (germline): Uncertain significance. Review status: criteria provided, multiple submitters, no conflicts (2 of 4 stars). 2 submissions from 2 submitters: Uncertain significance (2). Last evaluated 2026-07-13.

Conditions:
Inborn genetic diseases. Identifiers: MedGen C0950123, MeSH D030342.

Allele frequency attached by ClinVar (database versions not stated): gnomAD exomes below 0.00001.
gnomAD v4.1: 1 of 1,613,246 alleles (0.000062%); highest among the groups gnomAD compares: Admixed American, 0.0017%; no homozygotes.

Submissions (2):

Ambry Genetics
Classification: Uncertain significance for Inborn genetic diseases. Last evaluated: 2026-07-13. Review status: criteria provided, single submitter. Criteria: Ambry Variant Classification Scheme 2023. Collection method: clinical testing. Allele origin: germline.

Labcorp Genetics (formerly Invitae), Labcorp
Classification: Uncertain significance. Last evaluated: 2025-02-18. Review status: criteria provided, single submitter. Criteria: Invitae Variant Classification Sherloc (09022015). Collection method: clinical testing. Allele origin: germline.
Comment: This sequence change replaces valine, which is neutral and non-polar, with alanine, which is neutral and non-polar, at codon 62 of the COL11A2 protein (p.Val62Ala). This variant is present in population databases (no rsID available, gnomAD 0.003%). This variant has not been reported in the literature in individuals affected with COL11A2-related conditions. ClinVar contains an entry for this variant (Variation ID: 1493246). Invitae Evidence Modeling of protein sequence and biophysical properties (such as structural, functional, and spatial information, amino acid conservation, physicochemical variation, residue mobility, and thermodynamic stability) indicates that this missense variant is not expected to disrupt COL11A2 protein function with a negative predictive value of 95%. In summary, the available evidence is currently insufficient to determine the role of this variant in disease. Therefore, it has been classified as a Variant of Uncertain Significance.

NM_080680.3(COL11A2):c.185T>C (p.Val62Ala)

Gene: COL11A2 (collagen type XI alpha 2 chain; minus strand). Cytogenetic location: 6p21.32.
Variant type: single nucleotide variant.
Coding change: c.185T>C on transcript NM_080680.3 (MANE Select); coding-DNA position 185, T replaced by C.
Protein change: p.Val62Ala; replaces valine 62 with alanine.
Molecular consequence: missense variant.
Genome position (GRCh38, 1-based): chr6:33,189,367, A>G on the plus strand (T>C on the coding strand, the complement: COL11A2 is on the minus strand). VCF-style: chr6-33189367-A-G. GRCh37 (hg19) VCF-style: chr6-33157144-A-G.
Other names: c.185T>C, p.Val62Ala (NM_001163771.2, NM_080679.3, NM_080681.3); c.185T>C (NM_080680.2); short protein forms V62A.
Identifiers: ClinVar variation 1493246 (VCV001493246.8), dbSNP rs1177392089, ClinGen allele CA363613173.